The following is an entry in ClinVar:

NM_004168.4(SDHA):c.328G>A (p.Ala110Thr)

Gene: SDHA (succinate dehydrogenase complex flavoprotein subunit A; plus strand). Cytogenetic location: 5p15.33.
Variant type: single nucleotide variant.
Coding change: c.328G>A on transcript NM_004168.4 (MANE Select); coding-DNA position 328, G replaced by A.
Protein change: p.Ala110Thr; replaces alanine 110 with threonine.
Molecular consequence: missense variant. On other transcripts: intron variant (1).
Genome position (GRCh38, 1-based): chr5:225,434, G>A. VCF-style: chr5-225434-G-A. GRCh37 (hg19) VCF-style: chr5-225549-G-A.
Other names: c.328G>A, p.Ala110Thr (NM_001330758.2); c.313-449G>A (NM_001294332.2); short protein forms A110T.
Identifiers: ClinVar variation 4864220 (VCV004864220.1).

ClinVar aggregate classification (germline): Uncertain significance (1 of 4 stars; one submission).

Conditions:
Hereditary cancer-predisposing syndrome. Also called: Neoplastic Syndromes, Hereditary; Tumor predisposition; Hereditary Cancer Syndrome; Hereditary neoplastic syndrome. Identifiers: Orphanet 140162, MedGen C0027672, MeSH D009386, MONDO:0015356.

Submission:

Ambry Genetics
Classification: Uncertain significance for Hereditary cancer-predisposing syndrome. Last evaluated: 2026-04-13. Review status: criteria provided, single submitter. Criteria: Ambry Variant Classification Scheme 2023. Collection method: clinical testing. Allele origin: germline.
Comment: The p.A110T variant (also known as c.328G>A), located in coding exon 4 of the SDHA gene, results from a G to A substitution at nucleotide position 328. The alanine at codon 110 is replaced by threonine, an amino acid with similar properties. This amino acid position is conserved. In addition, this alteration is predicted to be deleterious by in silico analysis. Based on the available evidence, the clinical significance of this variant remains unclear.